The following is an entry in ClinVar:

ClinVar aggregate classification (germline): Likely pathogenic (1 of 4 stars; one submission).

Conditions:
Polycystic kidney disease 2 (PKD2). Also called: Polycystic Kidney Disease 2, Autosomal Dominant; POLYCYSTIC KIDNEY DISEASE, ADULT, TYPE II; POLYCYSTIC KIDNEY DISEASE 2 WITH OR WITHOUT POLYCYSTIC LIVER DISEASE. Identifiers: MedGen C2751306, MONDO:0013131, OMIM 613095.

Submission:

Victorian Clinical Genetics Services, Murdoch Childrens Research Institute
Classification: Likely pathogenic for Polycystic kidney disease 2. Last evaluated: 2024-09-20. Review status: criteria provided, single submitter. Criteria: ACMG Guidelines, 2015. Collection method: clinical testing. Allele origin: germline. Inheritance: Autosomal dominant inheritance. Affected: yes.
Comment: Based on the classification scheme VCGS_Germline_v1.3.4, this variant is classified as Likely pathogenic. Following criteria are met: 0102 - Loss of function is a known mechanism of disease in this gene and is associated with polycystic kidney disease 2 (MIM#613095). (I) 0107 - This gene is associated with autosomal dominant disease. (I) 0112 - The condition associated with this gene has incomplete penetrance (OMIM). 0211 - Canonical splice site variant without proven consequence on splicing (no functional evidence available). (SP) 0251 - This variant is heterozygous. (I) 0301 - Variant is absent from gnomAD (both v2 and v3). (SP) 0505 - Abnormal splicing is predicted by in silico tools and affected nucleotide is highly conserved. (SP) 0703 - Other canonical splice variants comparable to the one identified in this case have limited previous evidence for pathogenicity. An alternative nucleotide change at the same canonical splice site, c.2522+1G>A, has been identified in a heterozygous individual with parenchymal cyst and hypertension (PMID: 37543885). Additionally, another nucleotide change, c.2522+1G>C, has been reported in an individual with polycystic kidney disease who also has a missense in PKD1 that is classified as a VUS in ClinVar (PMID: 35778421). (SP) 0807 - This variant has no previous evidence of pathogenicity. (I) 0905 - No published segregation evidence has been identified for this variant. (I) 1007 - No published functional evidence has been identified for this variant. (I) 1208 - Inheritance information for this variant is not currently available in this individual. (I) Legend: (SP) - Supporting pathogenic, (I) - Information, (SB) - Supporting benign

Literature cited by the submitters: PubMed 35778421; PubMed 37543885.

NM_000297.4(PKD2):c.2522+1G>T

Gene: PKD2 (polycystin 2, transient receptor potential cation channel; plus strand). Cytogenetic location: 4q22.1.
Variant type: single nucleotide variant.
Coding change: c.2522+1G>T on transcript NM_000297.4 (MANE Select); the canonical splice donor site of the intron after coding-DNA position 2522, G replaced by T.
Molecular consequence: splice donor variant.
Genome position (GRCh38, 1-based): chr4:88,068,062, G>T. VCF-style: chr4-88068062-G-T. GRCh37 (hg19) VCF-style: chr4-88989214-G-T.
Identifiers: ClinVar variation 1806275 (VCV001806275.3), dbSNP rs2475986943, ClinGen allele CA357627214.